The following is an entry in ClinVar:

ClinVar aggregate classification (germline): Uncertain significance (1 of 4 stars; one submission).

Submission:

GeneDx
Classification: Uncertain significance. Last evaluated: 2023-11-05. Review status: criteria provided, single submitter. Criteria: GeneDx Variant Classification Process June 2021. Collection method: clinical testing. Allele origin: germline. Affected: yes.
Comment: Not observed at significant frequency in large population cohorts (gnomAD); In silico analysis supports that this missense variant does not alter protein structure/function; Has not been previously published as pathogenic or benign to our knowledge; This variant is associated with the following publications: (PMID: 25512093, 25609763, 26100331)

NM_001376.5(DYNC1H1):c.6518G>A (p.Gly2173Asp)

Gene: DYNC1H1 (dynein cytoplasmic 1 heavy chain 1; plus strand). Cytogenetic location: 14q32.31.
Variant type: single nucleotide variant.
Coding change: c.6518G>A on transcript NM_001376.5 (MANE Select); coding-DNA position 6518, G replaced by A.
Protein change: p.Gly2173Asp; replaces glycine 2173 with aspartic acid.
Molecular consequence: missense variant.
Genome position (GRCh38, 1-based): chr14:102,010,852, G>A. VCF-style: chr14-102010852-G-A. GRCh37 (hg19) VCF-style: chr14-102477189-G-A.
Other names: short protein forms G2173D.
Identifiers: ClinVar variation 3342414 (VCV003342414.1).
Genomic context (GRCh38, chr14:102,010,852, plus strand): 5'-ACATCCCGCTGCTCTTCAGCCTCCTGTCGGACGTGTTCCCTGGAGTCCAGTATCACAGGG[G>A]TGAGATGACTGCCCTTCGAGAGGAGCTGAAGAAAGTGTGTCAGGAGATGTATTTGACATA-3'
Protein context (NP_001367.2, residues 2163-2183): DVFPGVQYHR[Gly2173Asp]EMTALREELK